The following is an entry in ClinVar:

ClinVar aggregate classification (germline): Uncertain significance. Review status: criteria provided, multiple submitters, no conflicts (2 of 4 stars). 3 submissions from 3 submitters: Uncertain significance (3). Last evaluated 2026-04-14.

Conditions:
PKD2-related disorder. Also called: PKD2-related condition.
Inborn genetic diseases. Identifiers: MedGen C0950123, MeSH D030342.
Autosomal dominant polycystic kidney disease. Identifiers: Orphanet 730, MedGen C0085413, MONDO:0004691.

Allele frequency attached by ClinVar (database versions not stated): gnomAD 0.00001; gnomAD exomes 0.00002; TOPMed 0.00002.
gnomAD v4.1: 23 of 1,488,154 alleles (0.0015%); highest among the groups gnomAD compares: Admixed American, 0.0086%; no homozygotes.

Submissions (3):

PreventionGenetics, part of Exact Sciences
Classification: Uncertain significance for PKD2-related condition. Last evaluated: 2026-04-14. Review status: criteria provided, single submitter. Criteria: ACMG Guidelines, 2015. Collection method: clinical testing. Allele origin: germline.
Comment: The PKD2 c.404G>T variant is predicted to result in the amino acid substitution p.Gly135Val. To our knowledge, this variant has not been reported in the literature. This variant is reported in 0.016% of alleles in individuals of Latino descent in gnomAD. Although we suspect that this variant may be benign, at this time, the clinical significance of this variant is uncertain due to the absence of conclusive functional and genetic evidence.

Ambry Genetics
Classification: Uncertain significance for Inborn genetic diseases. Last evaluated: 2025-08-21. Review status: criteria provided, single submitter. Criteria: Ambry Variant Classification Scheme 2023. Collection method: clinical testing. Allele origin: germline.

Labcorp Genetics (formerly Invitae), Labcorp
Classification: Uncertain significance for Autosomal dominant polycystic kidney disease. Last evaluated: 2025-03-27. Review status: criteria provided, single submitter. Criteria: Invitae Variant Classification Sherloc (09022015). Collection method: clinical testing. Allele origin: germline.
Comment: This sequence change replaces glycine, which is neutral and non-polar, with valine, which is neutral and non-polar, at codon 135 of the PKD2 protein (p.Gly135Val). This variant is present in population databases (no rsID available, gnomAD 0.02%). This variant has not been reported in the literature in individuals affected with PKD2-related conditions. ClinVar contains an entry for this variant (Variation ID: 3018541). An algorithm developed to predict the effect of missense changes on protein structure and function (PolyPhen-2) suggests that this variant is likely to be tolerated. In summary, the available evidence is currently insufficient to determine the role of this variant in disease. Therefore, it has been classified as a Variant of Uncertain Significance.

NM_000297.4(PKD2):c.404G>T (p.Gly135Val)

Genes: PKD2 (polycystin 2, transient receptor potential cation channel; plus strand), LOC129992813 (ATAC-STARR-seq lymphoblastoid silent region 15559; plus strand). Cytogenetic location: 4q22.1.
Variant type: single nucleotide variant.
Coding change: c.404G>T on transcript NM_000297.4 (MANE Select); coding-DNA position 404, G replaced by T.
Protein change: p.Gly135Val; replaces glycine 135 with valine.
Molecular consequence: missense variant. On other transcripts: non-coding transcript variant (1).
Genome position (GRCh38, 1-based): chr4:88,008,137, G>T. VCF-style: chr4-88008137-G-T. GRCh37 (hg19) VCF-style: chr4-88929289-G-T.
Other names: c.404G>T (NM_000297.3); short protein forms G135V.
Identifiers: ClinVar variation 3018541 (VCV003018541.5), dbSNP rs1030541539, ClinGen allele CA100873243.